The following is an entry in ClinVar:

ClinVar aggregate classification (germline): Uncertain significance. Review status: criteria provided, multiple submitters, no conflicts (2 of 4 stars). 2 submissions from 2 submitters: Uncertain significance (2). Last evaluated 2025-04-14.

Submissions (2):

Labcorp Genetics (formerly Invitae), Labcorp
Classification: Uncertain significance. Last evaluated: 2025-04-14. Review status: criteria provided, single submitter. Criteria: Invitae Variant Classification Sherloc (09022015). Collection method: clinical testing. Allele origin: germline.
Comment: This sequence change replaces aspartic acid, which is acidic and polar, with glutamic acid, which is acidic and polar, at codon 111 of the TEAD1 protein (p.Asp111Glu). This variant is not present in population databases (gnomAD no frequency). This variant has not been reported in the literature in individuals affected with TEAD1-related conditions. ClinVar contains an entry for this variant (Variation ID: 1384676). An algorithm developed to predict the effect of missense changes on protein structure and function (PolyPhen-2) suggests that this variant is likely to be tolerated. In summary, the available evidence is currently insufficient to determine the role of this variant in disease. Therefore, it has been classified as a Variant of Uncertain Significance.

Blueprint Genetics
Classification: Uncertain significance. Last evaluated: 2020-10-09. Review status: criteria provided, single submitter. Criteria: ACMG Guidelines, 2015. Collection method: clinical testing. Allele origin: germline.

NM_021961.6(TEAD1):c.333T>A (p.Asp111Glu)

Gene: TEAD1 (TEA domain transcription factor 1; plus strand). Cytogenetic location: 11p15.3.
Variant type: single nucleotide variant.
Coding change: c.333T>A on transcript NM_021961.6 (MANE Select); coding-DNA position 333, T replaced by A.
Protein change: p.Asp111Glu; replaces aspartic acid 111 with glutamic acid.
Molecular consequence: missense variant.
Genome position (GRCh38, 1-based): chr11:12,879,710, T>A. VCF-style: chr11-12879710-T-A. GRCh37 (hg19) VCF-style: chr11-12901257-T-A.
Other names: short protein forms D111E.
Identifiers: ClinVar variation 1384676 (VCV001384676.7), dbSNP rs1237324205, ClinGen allele CA379711717.